The following is an entry in ClinVar:

NM_000059.4(BRCA2):c.1324T>G (p.Ser442Ala)

Gene: BRCA2 (BRCA2 DNA repair associated; plus strand). Cytogenetic location: 13q13.1.
Variant type: single nucleotide variant.
Coding change: c.1324T>G on transcript NM_000059.4 (MANE Select); coding-DNA position 1324, T replaced by G.
Protein change: p.Ser442Ala; replaces serine 442 with alanine.
Molecular consequence: missense variant.
Genome position (GRCh38, 1-based): chr13:32,332,802, T>G. VCF-style: chr13-32332802-T-G. GRCh37 (hg19) VCF-style: chr13-32906939-T-G.
Other names: short protein forms S442A.
Identifiers: ClinVar variation 373830 (VCV000373830.3), dbSNP rs1057518641, ClinGen allele CA16043336.

ClinVar aggregate classification (germline): Conflicting classifications of pathogenicity. Review status: criteria provided, conflicting classifications (1 of 4 stars). 2 submissions from 2 submitters: Uncertain significance (1); Likely benign (1). Last evaluated 2023-03-23.

Conditions:
Hereditary cancer-predisposing syndrome. Also called: Tumor predisposition; Hereditary neoplastic syndrome; Neoplastic Syndromes, Hereditary; Hereditary Cancer Syndrome. Identifiers: Orphanet 140162, MedGen C0027672, MeSH D009386, MONDO:0015356.
Breast neoplasm. Also called: Neoplasm of breast; Breast tumor; Breast Neoplasms; Neoplasm of the breast. Identifiers: MedGen C1458155, MeSH D001943, MONDO:0021100, HP:0100013. Disease mechanism: gain of function.

Submissions (2):

University of Washington Department of Laboratory Medicine, University of Washington
Classification: Likely benign for Hereditary cancer-predisposing syndrome. Last evaluated: 2023-03-23. Review status: criteria provided, single submitter. Criteria: Dines et al. (Genet Med. 2020). Collection method: curation. Allele origin: germline.
Comment: Missense variant in a coldspot region where missense variants are very unlikely to be pathogenic (PMID:31911673).

BRCA2 exon 10 coldspot. Reclassification based on statistical prior probability.

Clinical and Functional Genomics Group, A.C.Camargo Cancer Center
Classification: Uncertain significance for Breast Cancer. Review status: criteria provided, single submitter. Criteria: Silva et al. (BMC Med Genet. 2014). Collection method: research. Allele origin: germline. Affected: yes.

Literature cited by the submitters: PubMed 23469205 (cited by Clinical and Functional Genomics Group, A.C.Camargo Cancer Center).